The following is an entry in ClinVar:

NM_016556.4(PSMC3IP):c.487T>A (p.Tyr163Asn)

Gene: PSMC3IP (PSMC3 interacting protein; minus strand). Cytogenetic location: 17q21.2.
Variant type: single nucleotide variant.
Coding change: c.487T>A on transcript NM_016556.4 (MANE Select); coding-DNA position 487, T replaced by A.
Protein change: p.Tyr163Asn; replaces tyrosine 163 with asparagine.
Molecular consequence: missense variant. On other transcripts: non-coding transcript variant (3).
Genome position (GRCh38, 1-based): chr17:42,573,361, A>T on the plus strand (T>A on the coding strand, the complement: PSMC3IP is on the minus strand). VCF-style: chr17-42573361-A-T. GRCh37 (hg19) VCF-style: chr17-40725379-A-T.
Other names: c.298T>A, p.Tyr100Asn (NM_001256014.2); c.250T>A, p.Tyr84Asn (NM_001256015.2, NM_001256016.2); c.451T>A, p.Tyr151Asn (NM_013290.7); short protein forms Y163N, Y84N, Y151N, Y100N.
Identifiers: ClinVar variation 516592 (VCV000516592.10), dbSNP rs2292754, ClinGen allele CA8578925.

ClinVar aggregate classification (germline): Benign. Review status: criteria provided, multiple submitters, no conflicts (2 of 4 stars). 3 submissions from 3 submitters: Benign (3). Last evaluated 2026-02-01.

Allele frequency attached by ClinVar (database versions not stated): gnomAD exomes 0.01510 and 0.03637; ESP Exome Variant Server 0.03675; ExAC 0.03785; gnomAD 0.04193 and 0.04385; TOPMed 0.04808; 1000 Genomes Project 30x 0.08542; 1000 Genomes Project 0.08986.
gnomAD v4.1: 29,370 of 1,614,006 alleles (1.8%); highest among the groups gnomAD compares: East Asian, 13%; 1,337 homozygotes.

Submissions (3):

Labcorp Genetics (formerly Invitae), Labcorp
Classification: Benign. Last evaluated: 2026-02-01. Review status: criteria provided, single submitter. Criteria: Invitae Variant Classification Sherloc (09022015). Collection method: clinical testing. Allele origin: germline.

GeneDx
Classification: Benign. Last evaluated: 2017-02-07. Review status: criteria provided, single submitter. Criteria: GeneDx Variant Classification (06012015). Collection method: clinical testing. Allele origin: germline. Affected: yes.
Comment: This variant is considered likely benign or benign based on one or more of the following criteria: it is a conservative change, it occurs at a poorly conserved position in the protein, it is predicted to be benign by multiple in silico algorithms, and/or has population frequency not consistent with disease.

Breakthrough Genomics
Classification: Benign. Review status: criteria provided, single submitter. Criteria: ACMG Guidelines, 2015. Collection method: not provided. Allele origin: germline. Inheritance: Autosomal recessive inheritance. Affected: yes.